The following is an entry in ClinVar:

NM_003742.4(ABCB11):c.3001A>T (p.Arg1001Ter)

Gene: ABCB11 (ATP binding cassette subfamily B member 11; minus strand). Cytogenetic location: 2q31.1.
Variant type: single nucleotide variant.
Coding change: c.3001A>T on transcript NM_003742.4 (MANE Select); coding-DNA position 3001, A replaced by T.
Protein change: p.Arg1001Ter; replaces arginine 1001 with a stop codon.
Molecular consequence: nonsense.
Genome position (GRCh38, 1-based): chr2:168,935,239, T>A on the plus strand (A>T on the coding strand, the complement: ABCB11 is on the minus strand). VCF-style: chr2-168935239-T-A. GRCh37 (hg19) VCF-style: chr2-169791749-T-A.
Other names: short protein forms R1001*.
Identifiers: ClinVar variation 4815271 (VCV004815271.1).
Genomic context (GRCh38, chr2:168,935,239, plus strand): 5'-CTCACCTGAACACATAGCTGAAATGGAGCCCCTCATTGGAGATTAAGTAACCTCCATATC[T>A]GTAGGAAGCAGAATTCGCAATAAACATGATGCACTGGGCAAAGGCAAAGCAGAATCCGTA-3'

ClinVar aggregate classification (germline): Likely pathogenic (1 of 4 stars; one submission).

Conditions:
Progressive familial intrahepatic cholestasis type 2. Identifiers: Orphanet 79304, MedGen C3489789, MONDO:0011156, OMIM 601847.

Submission:

Natera, Inc.
Classification: Likely pathogenic for Progressive familial intrahepatic cholestasis type 2. Last evaluated: 2025-12-15. Review status: criteria provided, single submitter. Criteria: Natera Variant Classification Schema (03/2026). Collection method: clinical testing. Allele origin: germline.
Comment: The c.3001A>T variant in ABCB11 is a nonsense variant predicted to introduce a stop codon at amino acid 1001. This variant is expected to result in nonsense mediated decay, truncation, or a dysfunctional protein product. This variant is rare in the general population with a frequency below the threshold expected for the associated phenotype(s). Given the available evidence, this variant is classified as Likely Pathogenic.